The following is an entry in ClinVar:

NM_004415.4(DSP):c.7481A>G (p.Lys2494Arg)

Gene: DSP (desmoplakin; plus strand). Cytogenetic location: 6p24.3.
Variant type: single nucleotide variant.
Coding change: c.7481A>G on transcript NM_004415.4 (MANE Select); coding-DNA position 7481, A replaced by G.
Protein change: p.Lys2494Arg; replaces lysine 2494 with arginine.
Molecular consequence: missense variant.
Genome position (GRCh38, 1-based): chr6:7,584,743, A>G. VCF-style: chr6-7584743-A-G. GRCh37 (hg19) VCF-style: chr6-7584976-A-G.
Other names: c.5684A>G, p.Lys1895Arg (NM_001008844.3); c.6152A>G, p.Lys2051Arg (NM_001319034.2); short protein forms K2494R, K1895R, K2051R.
Identifiers: ClinVar variation 1959716 (VCV001959716.6), dbSNP rs1759572573, ClinGen allele CA362693106.

ClinVar aggregate classification (germline): Uncertain significance. Review status: criteria provided, multiple submitters, no conflicts (2 of 4 stars). 2 submissions from 2 submitters: Uncertain significance (2). Last evaluated 2024-06-21.

Conditions:
Arrhythmogenic cardiomyopathy with wooly hair and keratoderma. Also called: Arrhythmogenic cardiomyopathy with woolly hair and keratoderma; Carvajal syndrome; PALMOPLANTAR KERATODERMA WITH LEFT VENTRICULAR CARDIOMYOPATHY AND WOOLLY HAIR; Dilated cardiomyopathy with woolly hair and keratoderma. Identifiers: Orphanet 65282, MedGen C1854063, MONDO:0011581, OMIM 605676.
Arrhythmogenic right ventricular dysplasia 8 (ARVD8). Also called: Arrhythmogenic Right Ventricular Dysplasia/Cardiomyopathy 8; ARRHYTHMOGENIC RIGHT VENTRICULAR CARDIOMYOPATHY 8; ARRHYTHMOGENIC RIGHT VENTRICULAR DYSPLASIA, FAMILIAL, 8. Identifiers: MedGen C1843896, MONDO:0011831, OMIM 607450.
Cardiovascular phenotype. Identifiers: MedGen CN230736.

Allele frequency attached by ClinVar (database versions not stated): TOPMed below 0.00001.
gnomAD v4.1: 2 of 1,614,236 alleles (0.00012%); highest among the groups gnomAD compares: Non-Finnish European, 0.00017%; no homozygotes.

Submissions (2):

Ambry Genetics
Classification: Uncertain significance for Cardiovascular phenotype. Last evaluated: 2024-06-21. Review status: criteria provided, single submitter. Criteria: Ambry Variant Classification Scheme 2023. Collection method: clinical testing. Allele origin: germline.
Comment: The p.K2494R variant (also known as c.7481A>G), located in coding exon 24 of the DSP gene, results from an A to G substitution at nucleotide position 7481. The lysine at codon 2494 is replaced by arginine, an amino acid with highly similar properties. This amino acid position is conserved. In addition, this alteration is predicted to be tolerated by in silico analysis. Based on the available evidence, the clinical significance of this variant remains unclear.

Labcorp Genetics (formerly Invitae), Labcorp
Classification: Uncertain significance for Arrhythmogenic cardiomyopathy with wooly hair and keratoderma; Arrhythmogenic right ventricular dysplasia 8. Last evaluated: 2022-08-09. Review status: criteria provided, single submitter. Criteria: Invitae Variant Classification Sherloc (09022015). Collection method: clinical testing. Allele origin: germline.
Comment: In summary, the available evidence is currently insufficient to determine the role of this variant in disease. Therefore, it has been classified as a Variant of Uncertain Significance. Algorithms developed to predict the effect of missense changes on protein structure and function output the following: SIFT: "Tolerated"; PolyPhen-2: "Benign"; Align-GVGD: "Class C0". The arginine amino acid residue is found in multiple mammalian species, which suggests that this missense change does not adversely affect protein function. This variant has not been reported in the literature in individuals affected with DSP-related conditions. This variant is not present in population databases (gnomAD no frequency). This sequence change replaces lysine, which is basic and polar, with arginine, which is basic and polar, at codon 2494 of the DSP protein (p.Lys2494Arg).